The following is an entry in ClinVar:

ClinVar aggregate classification (germline): Uncertain significance (1 of 4 stars; one submission).

Conditions:
Baller-Gerold syndrome (BGS). Also called: CRANIOSYNOSTOSIS WITH RADIAL DEFECTS. Identifiers: Orphanet 1225, MedGen C0265308, MONDO:0009039, OMIM 218600.

Submission:

Labcorp Genetics (formerly Invitae), Labcorp
Classification: Uncertain significance for Baller-Gerold syndrome. Last evaluated: 2022-09-21. Review status: criteria provided, single submitter. Criteria: Invitae Variant Classification Sherloc (09022015). Collection method: clinical testing. Allele origin: germline.
Comment: In summary, the available evidence is currently insufficient to determine the role of this variant in disease. Therefore, it has been classified as a Variant of Uncertain Significance. Experimental studies and prediction algorithms are not available or were not evaluated, and the effect of this variant on mRNA splicing is currently unknown. This variant has not been reported in the literature in individuals affected with RECQL4-related conditions. This variant is not present in population databases (gnomAD no frequency). This sequence change falls in intron 20 of the RECQL4 gene. It does not directly change the encoded amino acid sequence of the RECQL4 protein.

NM_004260.4(RECQL4):c.3503-10T>C

Gene: RECQL4 (RecQ like helicase 4; minus strand). Cytogenetic location: 8q24.3.
Variant type: single nucleotide variant.
Coding change: c.3503-10T>C on transcript NM_004260.4 (MANE Select); 10 bases into the intron before coding-DNA position 3503, T replaced by C.
Molecular consequence: intron variant.
Genome position (GRCh38, 1-based): chr8:144,511,565, A>G on the plus strand (T>C on the coding strand, the complement: RECQL4 is on the minus strand). VCF-style: chr8-144511565-A-G. GRCh37 (hg19) VCF-style: chr8-145736948-A-G.
Identifiers: ClinVar variation 2031709 (VCV002031709.4), dbSNP rs2130649454, ClinGen allele CA2580078762.